The following is an entry in ClinVar:

NM_004364.5(CEBPA):c.1060A>G (p.Met354Val)

Gene: CEBPA (CCAAT enhancer binding protein alpha; minus strand). Cytogenetic location: 19q13.11.
Variant type: single nucleotide variant.
Coding change: c.1060A>G on transcript NM_004364.5 (MANE Select); coding-DNA position 1060, A replaced by G.
Protein change: p.Met354Val; replaces methionine 354 with valine.
Molecular consequence: missense variant.
Genome position (GRCh38, 1-based): chr19:33,301,355, T>C on the plus strand (A>G on the coding strand, the complement: CEBPA is on the minus strand). VCF-style: chr19-33301355-T-C. GRCh37 (hg19) VCF-style: chr19-33792261-T-C.
Other names: c.703A>G, p.Met235Val (NM_001285829.2); c.1165A>G, p.Met389Val (NM_001287424.2); c.1018A>G, p.Met340Val (NM_001287435.2); c.1060A>G (NM_004364.3); short protein forms M354V, M389V, M235V, M340V.
Identifiers: ClinVar variation 408752 (VCV000408752.12), dbSNP rs1060502122, ClinGen allele CA16616032.

ClinVar aggregate classification (germline): Uncertain significance. Review status: criteria provided, multiple submitters, no conflicts (2 of 4 stars). 3 submissions from 3 submitters: Uncertain significance (3). Last evaluated 2025-12-17.

Conditions:
Inborn genetic diseases. Identifiers: MedGen C0950123, MeSH D030342.
Acute myeloid leukemia (AML). Also called: Leukemia, acute myeloid, somatic; Leukemia, acute myelogenous, somatic; Acute myeloid leukemia, adult; AML adult; Acute non-lymphocytic leukemia; Acute granulocytic leukemia. Identifiers: Orphanet 519, MedGen C0023467, MeSH D015470, MONDO:0018874, OMIM 601626, HP:0004808. Disease mechanism: Constitutively activated FLT3.

Allele frequency attached by ClinVar (database versions not stated): TOPMed 0.00001; gnomAD 0.00003.
gnomAD v4.1: 6 of 1,602,028 alleles (0.00037%); highest among the groups gnomAD compares: South Asian, 0.0011%; no homozygotes.

Submissions (3):

Labcorp Genetics (formerly Invitae), Labcorp
Classification: Uncertain significance for Acute myeloid leukemia. Last evaluated: 2025-12-17. Review status: criteria provided, single submitter. Criteria: Invitae Variant Classification Sherloc (09022015). Collection method: clinical testing. Allele origin: germline.
Comment: This sequence change replaces methionine, which is neutral and non-polar, with valine, which is neutral and non-polar, at codon 354 of the CEBPA protein (p.Met354Val). This variant is present in population databases (no rsID available, gnomAD 0.0008%). This variant has not been reported in the literature in individuals affected with CEBPA-related conditions. ClinVar contains an entry for this variant (Variation ID: 408752). An algorithm developed to predict the effect of missense changes on protein structure and function (PolyPhen-2) suggests that this variant is likely to be tolerated. In summary, the available evidence is currently insufficient to determine the role of this variant in disease. Therefore, it has been classified as a Variant of Uncertain Significance.

Ambry Genetics
Classification: Uncertain significance for Inborn genetic diseases. Last evaluated: 2025-03-28. Review status: criteria provided, single submitter. Criteria: Ambry Variant Classification Scheme 2023. Collection method: clinical testing. Allele origin: germline.
Comment: The p.M354V variant (also known as c.1060A>G), located in coding exon 1 of the CEBPA gene, results from an A to G substitution at nucleotide position 1060. The methionine at codon 354 is replaced by valine, an amino acid with highly similar properties. This amino acid position is highly conserved in available vertebrate species. In addition, this alteration is predicted to be tolerated by in silico analysis. Based on the available evidence, the clinical significance of this variant remains unclear.

Baylor Genetics
Classification: Uncertain significance for Acute myeloid leukemia. Last evaluated: 2023-12-28. Review status: criteria provided, single submitter. Criteria: ACMG Guidelines, 2015. Collection method: clinical testing. Allele origin: unknown.